The following is an entry in ClinVar:

NM_000748.3(CHRNB2):c.1493C>A (p.Ala498Asp)

Gene: CHRNB2 (cholinergic receptor nicotinic beta 2 subunit; plus strand). Cytogenetic location: 1q21.3.
Variant type: single nucleotide variant.
Coding change: c.1493C>A on transcript NM_000748.3 (MANE Select); coding-DNA position 1493, C replaced by A.
Protein change: p.Ala498Asp; replaces alanine 498 with aspartic acid.
Molecular consequence: missense variant.
Genome position (GRCh38, 1-based): chr1:154,575,916, C>A. VCF-style: chr1-154575916-C-A. GRCh37 (hg19) VCF-style: chr1-154548392-C-A.
Other names: short protein forms A498D.
Identifiers: ClinVar variation 3675361 (VCV003675361.2).

ClinVar aggregate classification (germline): Uncertain significance (1 of 4 stars; one submission).

Conditions:
Familial sleep-related hypermotor epilepsy. Also called: Autosomal Dominant Sleep-Related Hypermotor (Hyperkinetic) Epilepsy. Identifiers: Orphanet 98784, MedGen C3696898, MONDO:0000030.

Submission:

Labcorp Genetics (formerly Invitae), Labcorp
Classification: Uncertain significance. Last evaluated: 2024-05-31. Review status: criteria provided, single submitter. Criteria: Invitae Variant Classification Sherloc (09022015). Collection method: clinical testing. Allele origin: germline.
Comment: This sequence change replaces alanine, which is neutral and non-polar, with aspartic acid, which is acidic and polar, at codon 498 of the CHRNB2 protein (p.Ala498Asp). This variant is not present in population databases (gnomAD no frequency). This variant has not been reported in the literature in individuals affected with CHRNB2-related conditions. Advanced modeling of protein sequence and biophysical properties (such as structural, functional, and spatial information, amino acid conservation, physicochemical variation, residue mobility, and thermodynamic stability) performed at Invitae indicates that this missense variant is not expected to disrupt CHRNB2 protein function with a negative predictive value of 95%. In summary, the available evidence is currently insufficient to determine the role of this variant in disease. Therefore, it has been classified as a Variant of Uncertain Significance.